The following is an entry in ClinVar:

NM_032578.4(MYPN):c.986C>A (p.Ala329Glu)

Gene: MYPN (myopalladin; plus strand). Cytogenetic location: 10q21.3.
Variant type: single nucleotide variant.
Coding change: c.986C>A on transcript NM_032578.4 (MANE Select); coding-DNA position 986, C replaced by A.
Protein change: p.Ala329Glu; replaces alanine 329 with glutamic acid.
Molecular consequence: missense variant. On other transcripts: non-coding transcript variant (2).
Genome position (GRCh38, 1-based): chr10:68,143,023, C>A. VCF-style: chr10-68143023-C-A. GRCh37 (hg19) VCF-style: chr10-69902780-C-A.
Other names: c.986C>A, p.Ala329Glu (NM_001256267.2); c.104C>A, p.Ala35Glu (NM_001256268.2); short protein forms A329E, A35E.
Identifiers: ClinVar variation 4885586 (VCV004885586.2).

ClinVar aggregate classification (germline): Uncertain significance (1 of 4 stars; one submission).

gnomAD v4.1: 1 of 1,614,052 alleles (0.000062%); no homozygotes.

Submission:

Dasa
Classification: Uncertain significance. Last evaluated: 2025-02-25. Review status: criteria provided, single submitter. Criteria: DASA Assertion Criteria. Collection method: clinical testing. Allele origin: germline.
Comment: NM_032578.4(MYPN):c.986C>A (p.Ala329Glu) is a missense variant that results in the substitution of alanine with glutamic acid. This variant is rare in population databases. Computational prediction algorithms are consistent with a benign effect. The currently available literature and clinical evidence are not sufficient to establish a definitive association between this variant and the reported condition. Therefore, this variant is classified as a variant of uncertain significance.